The following is an entry in ClinVar:

ClinVar aggregate classification (germline): Uncertain significance. Review status: criteria provided, multiple submitters, no conflicts (2 of 4 stars). 4 submissions from 4 submitters: Uncertain significance (4). Last evaluated 2023-12-13.

Conditions:
Catecholaminergic polymorphic ventricular tachycardia (CVPT). Also called: Catecholamine-induced polymorphic ventricular tachycardia. Identifiers: Orphanet 3286, MedGen C5574922, MONDO:0017990.
Cardiomyopathy (CMYO). Also called: Cardiomyopathies. Identifiers: Orphanet 167848, MedGen C0878544, MONDO:0004994, HP:0001638. Inheritance: Various modes of inheritance.
Catecholaminergic polymorphic ventricular tachycardia 1. Also called: VENTRICULAR TACHYCARDIA, STRESS-INDUCED POLYMORPHIC 1; VENTRICULAR TACHYCARDIA, CATECHOLAMINERGIC POLYMORPHIC, 1, WITH OR WITHOUT ATRIAL DYSFUNCTION AND/OR DILATED CARDIOMYOPATHY; RYR2-Related Catecholaminergic Polymorphic Ventricular Tachycardia. Identifiers: Orphanet 3286, MedGen C1631597, MONDO:0011484, OMIM 604772.

gnomAD v4.1: 5 of 1,613,604 alleles (0.00031%); highest among the groups gnomAD compares: East Asian, 0.011%; no homozygotes.

Submissions (4):

All of Us Research Program, National Institutes of Health
Classification: Uncertain significance for Catecholaminergic polymorphic ventricular tachycardia. Last evaluated: 2023-12-13. Review status: criteria provided, single submitter. Criteria: ACMG Guidelines, 2015. Collection method: clinical testing. Allele origin: germline. Inheritance: Autosomal dominant inheritance. Observed: 1 variant allele, 1 heterozygote.
Comment: This missense variant replaces leucine with valine at codon 1505 of the RYR2 protein. Computational prediction suggests that this variant may not impact protein structure and function. To our knowledge, functional studies have not been reported for this variant. This variant has not been reported in individuals affected with RYR2-related disorders in the literature. This variant has not been identified in the general population by the Genome Aggregation Database (gnomAD). The available evidence is insufficient to determine the role of this variant in disease conclusively. Therefore, this variant is classified as a Variant of Uncertain Significance.

This study involves interpretation of variants in research participants for the purpose of population health screening. Participant phenotype was not available at the time of variant classification. Additional details can be found in publication PMID: 35346344, PMCID: PMC8962531

Labcorp Genetics (formerly Invitae), Labcorp
Classification: Uncertain significance for Catecholaminergic polymorphic ventricular tachycardia 1. Last evaluated: 2023-12-13. Review status: criteria provided, single submitter. Criteria: Invitae Variant Classification Sherloc (09022015). Collection method: clinical testing. Allele origin: germline.
Comment: This sequence change replaces leucine, which is neutral and non-polar, with valine, which is neutral and non-polar, at codon 1505 of the RYR2 protein (p.Leu1505Val). This variant is not present in population databases (gnomAD no frequency). This variant has not been reported in the literature in individuals affected with RYR2-related conditions. ClinVar contains an entry for this variant (Variation ID: 373254). Advanced modeling of protein sequence and biophysical properties (such as structural, functional, and spatial information, amino acid conservation, physicochemical variation, residue mobility, and thermodynamic stability) performed at Invitae indicates that this missense variant is not expected to disrupt RYR2 protein function with a negative predictive value of 95%. In summary, the available evidence is currently insufficient to determine the role of this variant in disease. Therefore, it has been classified as a Variant of Uncertain Significance.

Color Diagnostics, LLC DBA Color Health
Classification: Uncertain significance for Cardiomyopathy. Last evaluated: 2023-11-16. Review status: criteria provided, single submitter. Criteria: ACMG Guidelines, 2015. Collection method: clinical testing. Allele origin: germline.
Comment: This missense variant replaces leucine with valine at codon 1505 of the RYR2 protein. Computational prediction suggests that this variant may not impact protein structure and function. To our knowledge, functional studies have not been reported for this variant. This variant has not been reported in individuals affected with RYR2-related disorders in the literature. This variant has not been identified in the general population by the Genome Aggregation Database (gnomAD). The available evidence is insufficient to determine the role of this variant in disease conclusively. Therefore, this variant is classified as a Variant of Uncertain Significance.

GeneDx
Classification: Uncertain significance. Last evaluated: 2016-11-18. Review status: criteria provided, single submitter. Criteria: GeneDx Variant Classification (06012015). Collection method: clinical testing. Allele origin: germline. Affected: yes.
Comment: A variant of uncertain significance has been identified in the RYR2 gene. The L1505V variant has not been published as a pathogenic variant, nor has it been reported as a benign variant to our knowledge. This variant was not observed in approximately 6,300 individuals of European and African American ancestry in the NHLBI Exome Sequencing Project, indicating it is not a common benign variant in these populations. This substitution occurs at a position that is conserved across species. However, the L1505V variant is a conservative amino acid substitution, which is not likely to impact secondary protein structure as these residues share similar properties. In addition, the L1505V variant is not located in one of the three hot-spot regions of the RYR2 gene, where the majority of pathogenic missense variants occur (Medeiros-Domingo et al., 2009). Furthermore, in silico analysis is inconsistent in its predictions as to whether or not the variant is damaging to the protein structure/function.Therefore, based on the currently available information, it is unclear whether this variant is pathogenic or benign.

NM_001035.3(RYR2):c.4513C>G (p.Leu1505Val)

Gene: RYR2 (ryanodine receptor 2; plus strand). Cytogenetic location: 1q43.
Variant type: single nucleotide variant.
Coding change: c.4513C>G on transcript NM_001035.3 (MANE Select); coding-DNA position 4513, C replaced by G.
Protein change: p.Leu1505Val; replaces leucine 1505 with valine.
Molecular consequence: missense variant.
Genome position (GRCh38, 1-based): chr1:237,595,574, C>G. VCF-style: chr1-237595574-C-G. GRCh37 (hg19) VCF-style: chr1-237758874-C-G.
Other names: c.4513C>G, p.Leu1505Val (LRG_402t1); short protein forms L1505V.
Identifiers: ClinVar variation 373254 (VCV000373254.6), dbSNP rs1057518306, ClinGen allele CA16042322.